The following is an entry in ClinVar:

ClinVar aggregate classification (germline): Uncertain significance (1 of 4 stars; one submission).

gnomAD v4.1: 3 of 1,613,722 alleles (0.00019%); highest among the groups gnomAD compares: East Asian, 0.0022%; no homozygotes.

Submission:

Ambry Genetics
Classification: Uncertain significance. Last evaluated: 2024-12-22. Review status: criteria provided, single submitter. Criteria: Ambry Variant Classification Scheme 2023. Collection method: clinical testing. Allele origin: germline.
Comment: The p.L491V variant (also known as c.1471C>G), located in coding exon 2 of the CDK12 gene, results from a C to G substitution at nucleotide position 1471. The leucine at codon 491 is replaced by valine, an amino acid with highly similar properties. This amino acid position is conserved. In addition, this alteration is predicted to be tolerated by in silico analysis. Based on the available evidence, the clinical significance of this variant remains unclear.

NM_016507.4(CDK12):c.1471C>G (p.Leu491Val)

Gene: CDK12 (cyclin dependent kinase 12; plus strand). Cytogenetic location: 17q12.
Variant type: single nucleotide variant.
Coding change: c.1471C>G on transcript NM_016507.4 (MANE Select); coding-DNA position 1471, C replaced by G.
Protein change: p.Leu491Val; replaces leucine 491 with valine.
Molecular consequence: missense variant.
Genome position (GRCh38, 1-based): chr17:39,471,303, C>G. VCF-style: chr17-39471303-C-G. GRCh37 (hg19) VCF-style: chr17-37627556-C-G.
Other names: c.1471C>G, p.Leu491Val (NM_015083.4); short protein forms L491V.
Identifiers: ClinVar variation 3830401 (VCV003830401.1).